The following is an entry in ClinVar:

NM_001378120.1(MBD5):c.3581A>T (p.His1194Leu)

Gene: MBD5 (methyl-CpG binding domain protein 5; plus strand). Cytogenetic location: 2q23.1.
Variant type: single nucleotide variant.
Coding change: c.3581A>T on transcript NM_001378120.1 (MANE Select); coding-DNA position 3581, A replaced by T.
Protein change: p.His1194Leu; replaces histidine 1194 with leucine.
Molecular consequence: missense variant.
Genome position (GRCh38, 1-based): chr2:148,485,778, A>T. VCF-style: chr2-148485778-A-T. GRCh37 (hg19) VCF-style: chr2-149243347-A-T.
Other names: c.3581A>T, p.His1194Leu (NM_001438854.1, NM_001438856.1, NM_001438857.1 and 1 more transcripts); c.2882A>T, p.His961Leu (NM_001438855.1, NM_001438859.1, NM_001438860.1 and 3 more transcripts); short protein forms H1194L, H961L.
Identifiers: ClinVar variation 4529994 (VCV004529994.2).

ClinVar aggregate classification (germline): Uncertain significance. Review status: criteria provided, multiple submitters, no conflicts (2 of 4 stars). 2 submissions from 2 submitters: Uncertain significance (2). Last evaluated 2025-05-15.

Conditions:
Intellectual developmental disorder, autosomal dominant 1. Also called: MBD5 Haploinsufficiency; Intellectual disability, autosomal dominant 1. Identifiers: Orphanet 228402, MedGen C1969562, MONDO:0007974, OMIM 156200.

Submissions (2):

GeneDx
Classification: Uncertain significance. Last evaluated: 2025-05-15. Review status: criteria provided, single submitter. Criteria: GeneDx Variant Classification Process June 2021. Collection method: clinical testing. Allele origin: germline. Affected: yes.
Comment: Not observed at significant frequency in large population cohorts (gnomAD); In silico analysis suggests that this missense variant does not alter protein structure/function; Has not been previously published as pathogenic or benign to our knowledge

Labcorp Genetics (formerly Invitae), Labcorp
Classification: Uncertain significance for Intellectual developmental disorder, autosomal dominant 1. Last evaluated: 2025-02-23. Review status: criteria provided, single submitter. Criteria: Invitae Variant Classification Sherloc (09022015). Collection method: clinical testing. Allele origin: germline.
Comment: This sequence change replaces histidine, which is basic and polar, with leucine, which is neutral and non-polar, at codon 961 of the MBD5 protein (p.His961Leu). This variant is not present in population databases (gnomAD no frequency). This variant has not been reported in the literature in individuals affected with MBD5-related conditions. Invitae Evidence Modeling of protein sequence and biophysical properties (such as structural, functional, and spatial information, amino acid conservation, physicochemical variation, residue mobility, and thermodynamic stability) indicates that this missense variant is not expected to disrupt MBD5 protein function with a negative predictive value of 80%. In summary, the available evidence is currently insufficient to determine the role of this variant in disease. Therefore, it has been classified as a Variant of Uncertain Significance.